The following is an entry in ClinVar:

ClinVar aggregate classification (germline): Uncertain significance. Review status: criteria provided, multiple submitters, no conflicts (2 of 4 stars). 2 submissions from 2 submitters: Uncertain significance (2). Last evaluated 2025-03-31.

Allele frequency attached by ClinVar (database versions not stated): 1000 Genomes Project 0.00020; 1000 Genomes Project 30x 0.00031.
gnomAD v4.1: 9 of 1,478,252 alleles (0.00061%); highest among the groups gnomAD compares: African/African-American, 0.0044%; no homozygotes.

Submissions (2):

Ambry Genetics
Classification: Uncertain significance. Last evaluated: 2025-03-31. Review status: criteria provided, single submitter. Criteria: Ambry Variant Classification Scheme 2023. Collection method: clinical testing. Allele origin: germline.

Labcorp Genetics (formerly Invitae), Labcorp
Classification: Uncertain significance. Last evaluated: 2024-06-05. Review status: criteria provided, single submitter. Criteria: Invitae Variant Classification Sherloc (09022015). Collection method: clinical testing. Allele origin: germline.
Comment: This sequence change replaces aspartic acid, which is acidic and polar, with asparagine, which is neutral and polar, at codon 504 of the FSCN2 protein (p.Asp504Asn). This variant is not present in population databases (gnomAD no frequency). This variant has not been reported in the literature in individuals affected with FSCN2-related conditions. ClinVar contains an entry for this variant (Variation ID: 2063881). An algorithm developed to predict the effect of missense changes on protein structure and function (PolyPhen-2) suggests that this variant is likely to be disruptive. In summary, the available evidence is currently insufficient to determine the role of this variant in disease. Therefore, it has been classified as a Variant of Uncertain Significance.

NM_012418.4(FSCN2):c.1438G>A (p.Asp480Asn)

Gene: FSCN2 (fascin actin-bundling protein 2, retinal; plus strand). Cytogenetic location: 17q25.3.
Variant type: single nucleotide variant.
Coding change: c.1438G>A on transcript NM_012418.4 (MANE Select); coding-DNA position 1438, G replaced by A.
Protein change: p.Asp480Asn; replaces aspartic acid 480 with asparagine.
Molecular consequence: missense variant.
Genome position (GRCh38, 1-based): chr17:81,537,039, G>A. VCF-style: chr17-81537039-G-A. GRCh37 (hg19) VCF-style: chr17-79504065-G-A.
Other names: c.1510G>A, p.Asp504Asn (NM_001077182.3); short protein forms D480N, D504N.
Identifiers: ClinVar variation 2063881 (VCV002063881.6), dbSNP rs539902937, ClinGen allele CA295085973.